The following is an entry in ClinVar:

ClinVar aggregate classification (germline): Uncertain significance (1 of 4 stars; one submission).

Conditions:
Immunodeficiency 14 (IMD14A). Also called: p110-DELTA-ACTIVATING MUTATION CAUSING SENESCENT T CELLS, LYMPHADENOPATHY, AND IMMUNODEFICIENCY; ACTIVATED PI3K-DELTA SYNDROME 1; Activated PI3K Delta Syndrome Type 1 (APDS1); IMMUNODEFICIENCY 14A WITH LYMPHOPROLIFERATION, AUTOSOMAL DOMINANT. Identifiers: Orphanet 397596, Orphanet 693661, MedGen C5907821, MONDO:0014222, OMIM 615513.

Submission:

Labcorp Genetics (formerly Invitae), Labcorp
Classification: Uncertain significance for Activated PI3K-delta syndrome. Last evaluated: 2025-11-12. Review status: criteria provided, single submitter. Criteria: Invitae Variant Classification Sherloc (09022015). Collection method: clinical testing. Allele origin: germline.
Comment: This sequence change replaces serine, which is neutral and polar, with arginine, which is basic and polar, at codon 253 of the PIK3CD protein (p.Ser253Arg). This variant is not present in population databases (gnomAD no frequency). This variant has not been reported in the literature in individuals affected with PIK3CD-related conditions. Invitae Evidence Modeling of protein sequence and biophysical properties (such as structural, functional, and spatial information, amino acid conservation, physicochemical variation, residue mobility, and thermodynamic stability) indicates that this missense variant is not expected to disrupt PIK3CD protein function with a negative predictive value of 80%. Algorithms developed to predict the effect of sequence changes on RNA splicing suggest that this variant may create or strengthen a splice site. In summary, the available evidence is currently insufficient to determine the role of this variant in disease. Therefore, it has been classified as a Variant of Uncertain Significance.

NM_005026.5(PIK3CD):c.759C>G (p.Ser253Arg)

Gene: PIK3CD (phosphatidylinositol-4,5-bisphosphate 3-kinase catalytic subunit delta; plus strand). Cytogenetic location: 1p36.22.
Variant type: single nucleotide variant.
Coding change: c.759C>G on transcript NM_005026.5 (MANE Select); coding-DNA position 759, C replaced by G.
Protein change: p.Ser253Arg; replaces serine 253 with arginine.
Molecular consequence: missense variant.
Genome position (GRCh38, 1-based): chr1:9,716,598, C>G. VCF-style: chr1-9716598-C-G. GRCh37 (hg19) VCF-style: chr1-9776656-C-G.
Other names: c.759C>G, p.Ser253Arg (NM_001350234.2, NM_001350235.1, NM_001437546.1 and 3 more transcripts); short protein forms S253R.
Identifiers: ClinVar variation 4740292 (VCV004740292.1).